The following is an entry in ClinVar:

NM_153603.4(COG7):c.1834C>T (p.Leu612Phe)

Gene: COG7 (component of oligomeric golgi complex 7; minus strand). Cytogenetic location: 16p12.2.
Variant type: single nucleotide variant.
Coding change: c.1834C>T on transcript NM_153603.4 (MANE Select); coding-DNA position 1834, C replaced by T.
Protein change: p.Leu612Phe; replaces leucine 612 with phenylalanine.
Molecular consequence: missense variant.
Genome position (GRCh38, 1-based): chr16:23,398,099, G>A on the plus strand (C>T on the coding strand, the complement: COG7 is on the minus strand). VCF-style: chr16-23398099-G-A. GRCh37 (hg19) VCF-style: chr16-23409420-G-A.
Other names: c.1834C>T (NM_153603.3); short protein forms L612F.
Identifiers: ClinVar variation 1014756 (VCV001014756.6), dbSNP rs756688485, ClinGen allele CA7960857.

ClinVar aggregate classification (germline): Uncertain significance. Review status: criteria provided, multiple submitters, no conflicts (2 of 4 stars). 2 submissions from 2 submitters: Uncertain significance (2). Last evaluated 2022-08-18.

Conditions:
Inborn genetic diseases. Identifiers: MedGen C0950123, MeSH D030342.
COG7 congenital disorder of glycosylation (CDG2E). Also called: CONGENITAL DISORDER OF GLYCOSYLATION, TYPE IIe; CDG IIe. Identifiers: Orphanet 79333, MedGen C2931010, MONDO:0012118, OMIM 608779.

Allele frequency attached by ClinVar (database versions not stated): gnomAD exomes 0.00002 and 0.00006; gnomAD 0.00003 and 0.00004; ExAC 0.00005; TOPMed 0.00005.
gnomAD v4.1: 32 of 1,614,070 alleles (0.002%); highest among the groups gnomAD compares: Admixed American, 0.032%; no homozygotes.

Submissions (2):

Labcorp Genetics (formerly Invitae), Labcorp
Classification: Uncertain significance for COG7 congenital disorder of glycosylation. Last evaluated: 2022-08-18. Review status: criteria provided, single submitter. Criteria: Invitae Variant Classification Sherloc (09022015). Collection method: clinical testing. Allele origin: germline.
Comment: This sequence change replaces leucine, which is neutral and non-polar, with phenylalanine, which is neutral and non-polar, at codon 612 of the COG7 protein (p.Leu612Phe). This variant is present in population databases (rs756688485, gnomAD 0.04%). This variant has not been reported in the literature in individuals affected with COG7-related conditions. ClinVar contains an entry for this variant (Variation ID: 1014756). Algorithms developed to predict the effect of missense changes on protein structure and function are either unavailable or do not agree on the potential impact of this missense change (SIFT: "Deleterious"; PolyPhen-2: "Probably Damaging"; Align-GVGD: "Class C0"). In summary, the available evidence is currently insufficient to determine the role of this variant in disease. Therefore, it has been classified as a Variant of Uncertain Significance.

Ambry Genetics
Classification: Uncertain significance for Inborn genetic diseases. Last evaluated: 2021-08-10. Review status: criteria provided, single submitter. Criteria: Ambry Variant Classification Scheme 2023. Collection method: clinical testing. Allele origin: germline.